The following is an entry in ClinVar:

NM_053025.4(MYLK):c.2398del (p.Val800fs)

Gene: MYLK (myosin light chain kinase; minus strand). Cytogenetic location: 3q21.1.
Variant type: Deletion.
Coding change: c.2398del on transcript NM_053025.4 (MANE Select); coding-DNA position 2398, one base deleted (G; older notation c.2398delG).
Protein change: p.Val800fs; shifts the reading frame from valine 800.
Molecular consequence: frameshift variant.
Genome position (GRCh38, 1-based): chr3:123,701,502, C deleted on the plus strand (G on the coding strand, the reverse complement: MYLK is on the minus strand); the first of 3 consecutive C bases (chr3:123,701,502-123,701,504); deleting any one gives the same sequence. VCF-style (leftmost placement, unchanged base first): chr3-123701501-AC-A. GRCh37 (hg19) VCF-style: chr3-123420348-AC-A.
Other names: p.Val800Leufs*10; c.1870del, p.Val624fs (NM_001321309.2); c.2191del, p.Val731fs (NM_053026.4, NM_053028.4); c.2398del, p.Val800fs (NM_053027.4); c.2398del (NM_053025.3); short protein forms V624fs, V731fs, V800fs.
Identifiers: ClinVar variation 3380980 (VCV003380980.4).

ClinVar aggregate classification (germline): Conflicting classifications of pathogenicity. Review status: criteria provided, conflicting classifications (1 of 4 stars). 3 submissions from 3 submitters: Likely pathogenic (1); Uncertain significance (2). Last evaluated 2026-04-21.

Conditions:
Aortic aneurysm, familial thoracic 7 (AAT7). Also called: AORTIC DISSECTION, FAMILIAL, WITH OR WITHOUT AORTIC ANEURYSM. Identifiers: MedGen C3151077, MONDO:0013418, OMIM 613780.

Submissions (3):

GeneDx
Classification: Uncertain significance. Last evaluated: 2026-04-21. Review status: criteria provided, single submitter. Criteria: GeneDx Variant Classification Process June 2021. Collection method: clinical testing. Allele origin: germline.
Comment: Not observed at significant frequency in large population cohorts (gnomAD); Frameshift variant predicted to result in protein truncation or nonsense mediated decay. Not located in the smooth muscle isoform, where the majority of loss-of-function variants associated with autosomal dominant TAAD and autosomal recessive MMIHS have been reported to date (PMID: 24077912, 21055718); Has not been previously published as pathogenic or benign to our knowledge; This variant is associated with the following publications: (PMID: 24077912, 21055718)

Labcorp Genetics (formerly Invitae), Labcorp
Classification: Uncertain significance for Aortic aneurysm, familial thoracic 7. Last evaluated: 2025-01-29. Review status: criteria provided, single submitter. Criteria: Invitae Variant Classification Sherloc (09022015). Collection method: clinical testing. Allele origin: germline.
Comment: This sequence change creates a premature translational stop signal (p.Val800Leufs*10) in the MYLK gene. This variant occurs in the long isoform of MYLK (PMID: 21055718). The current clinical and genetic evidence is not sufficient to establish whether loss-of-function variants in the long isoform of MYLK cause disease. This variant is present in population databases (rs772776298, gnomAD 0.0009%). This variant has not been reported in the literature in individuals affected with MYLK-related conditions. ClinVar contains an entry for this variant (Variation ID: 3380980). In summary, the available evidence is currently insufficient to determine the role of this variant in disease. Therefore, it has been classified as a Variant of Uncertain Significance.

Mayo Clinic Laboratories, Mayo Clinic
Classification: Likely pathogenic. Last evaluated: 2024-09-05. Review status: criteria provided, single submitter. Criteria: ACMG Guidelines, 2015. Collection method: clinical testing. Allele origin: germline. Observed: 1 variant allele.
Comment: PM2, PVS1

Literature cited by the submitters: PubMed 21055718 (cited by Labcorp Genetics (formerly Invitae), Labcorp and Mayo Clinic Laboratories, Mayo Clinic); PubMed 28401540 (cited by Mayo Clinic Laboratories, Mayo Clinic); PubMed 28602422 (cited by Mayo Clinic Laboratories, Mayo Clinic).